The following is an entry in ClinVar:

ClinVar aggregate classification (germline): Uncertain significance (1 of 4 stars; one submission).

Conditions:
Hereditary nonpolyposis colorectal neoplasms. Identifiers: MedGen C0009405, MeSH D003123.

Submission:

Labcorp Genetics (formerly Invitae), Labcorp
Classification: Uncertain significance for Hereditary nonpolyposis colorectal neoplasms. Last evaluated: 2020-07-21. Review status: criteria provided, single submitter. Criteria: Invitae Variant Classification Sherloc (09022015). Collection method: clinical testing. Allele origin: germline.
Comment: In summary, the available evidence is currently insufficient to determine the role of this variant in disease. Therefore, it has been classified as a Variant of Uncertain Significance. Advanced modeling of protein sequence and biophysical properties (such as structural, functional, and spatial information, amino acid conservation, physicochemical variation, residue mobility, and thermodynamic stability) performed at Invitae indicates that this missense variant is not expected to disrupt MSH6 protein function. This variant has not been reported in the literature in individuals with MSH6-related conditions. This variant is not present in population databases (ExAC no frequency). This sequence change replaces tyrosine with histidine at codon 1256 of the MSH6 protein (p.Tyr1256His). The tyrosine residue is weakly conserved and there is a moderate physicochemical difference between tyrosine and histidine.

NM_000179.3(MSH6):c.3766T>C (p.Tyr1256His)

Gene: MSH6 (mutS homolog 6; plus strand). Cytogenetic location: 2p16.3.
Variant type: single nucleotide variant.
Coding change: c.3766T>C on transcript NM_000179.3 (MANE Select); coding-DNA position 3766, T replaced by C.
Protein change: p.Tyr1256His; replaces tyrosine 1256 with histidine.
Molecular consequence: missense variant.
Genome position (GRCh38, 1-based): chr2:47,806,323, T>C. VCF-style: chr2-47806323-T-C. GRCh37 (hg19) VCF-style: chr2-48033462-T-C.
Other names: c.3376T>C, p.Tyr1126His (NM_001281492.2); c.2860T>C, p.Tyr954His (NM_001281493.2, NM_001281494.2); short protein forms Y1256H, Y1126H, Y954H.
Identifiers: ClinVar variation 1047532 (VCV001047532.9), dbSNP rs1553333129, ClinGen allele CA346761116.
Genomic context (GRCh38, chr2:47,806,323, plus strand): 5'-GCTGAGACTATAAAATGTCGTACATTATTTTCAACTCACTACCATTCATTAGTAGAAGAT[T>C]ATTCTCAAAATGTTGCTGTGCGCCTAGGACATATGGTATGTGCAAATTGTTTTTTTCCAC-3'
Protein context (NP_000170.1, residues 1246-1266): STHYHSLVED[Tyr1256His]SQNVAVRLGH